The following is an entry in ClinVar:

ClinVar aggregate classification (germline): Likely benign (1 of 4 stars; one submission).

Allele frequency attached by ClinVar (database versions not stated): TOPMed 0.00037; ESP Exome Variant Server 0.00038; gnomAD 0.00038; ExAC 0.00058.
gnomAD v4.1: 499 of 1,596,202 alleles (0.031%); highest among the groups gnomAD compares: Non-Finnish European, 0.0067%; 3 homozygotes.

Submission:

CeGaT Center for Human Genetics Tuebingen
Classification: Likely benign. Last evaluated: 2022-03-01. Review status: criteria provided, single submitter. Criteria: CeGaT Center For Human Genetics Tuebingen Variant Classification Criteria Version 2. Collection method: clinical testing. Allele origin: germline. Affected: yes. Observed: 1 variant allele.
Comment: PAPLN: BP4

NM_001365906.3(PAPLN):c.2987-3C>T

Gene: PAPLN (papilin, proteoglycan like sulfated glycoprotein; plus strand). Cytogenetic location: 14q24.2.
Variant type: single nucleotide variant.
Coding change: c.2987-3C>T on transcript NM_001365906.3 (MANE Select); 3 bases into the intron before coding-DNA position 2987, C replaced by T.
Molecular consequence: intron variant.
Genome position (GRCh38, 1-based): chr14:73,264,585, C>T. VCF-style: chr14-73264585-C-T. GRCh37 (hg19) VCF-style: chr14-73731293-C-T.
Other names: c.2906-3C>T (NM_173462.4); c.2939-3C>T (NM_001365907.2).
Identifiers: ClinVar variation 2644359 (VCV002644359.24), dbSNP rs200763562, ClinGen allele CA7258301.